The following is an entry in ClinVar:

ClinVar aggregate classification (germline): Conflicting classifications of pathogenicity. Review status: criteria provided, conflicting classifications (1 of 4 stars). 2 submissions from 2 submitters: Likely pathogenic (1); Uncertain significance (1). Last evaluated 2022-08-15.

Conditions:
Cardiovascular phenotype. Identifiers: MedGen CN230736.
Hereditary hemorrhagic telangiectasia (HHT). Also called: ORW DISEASE; Osler Weber Rendu syndrome; OSLER-RENDU-WEBER DISEASE; Osler hemorrhagic telangiectasia syndrome. Identifiers: Orphanet 774, MedGen C0039445, MONDO:0019180. Disease mechanism: loss of function.

Submissions (2):

Labcorp Genetics (formerly Invitae), Labcorp
Classification: Likely pathogenic for Hereditary hemorrhagic telangiectasia. Last evaluated: 2022-08-15. Review status: criteria provided, single submitter. Criteria: Invitae Variant Classification Sherloc (09022015). Collection method: clinical testing. Allele origin: germline.
Comment: ClinVar contains an entry for this variant (Variation ID: 839185). This missense change has been observed in individual(s) with ENG-related conditions (Invitae). Advanced modeling of protein sequence and biophysical properties (such as structural, functional, and spatial information, amino acid conservation, physicochemical variation, residue mobility, and thermodynamic stability) performed at Invitae indicates that this missense variant is expected to disrupt ENG protein function. In summary, the currently available evidence indicates that the variant is pathogenic, but additional data are needed to prove that conclusively. Therefore, this variant has been classified as Likely Pathogenic. This variant is not present in population databases (gnomAD no frequency). This sequence change replaces valine, which is neutral and non-polar, with aspartic acid, which is acidic and polar, at codon 98 of the ENG protein (p.Val98Asp).

Ambry Genetics
Classification: Uncertain significance for Cardiovascular phenotype. Last evaluated: 2017-04-27. Review status: criteria provided, single submitter. Criteria: Ambry Variant Classification Scheme 2023. Collection method: clinical testing. Allele origin: germline.
Comment: The p.V98D variant (also known as c.293T>A), located in coding exon 3 of the ENG gene, results from a T to A substitution at nucleotide position 293. The valine at codon 98 is replaced by aspartic acid, an amino acid with highly dissimilar properties. This amino acid position is well conserved in available vertebrate species. In addition, this alteration is predicted to be deleterious by in silico analysis. Based on available evidence to date, the clinical significance of this alteration remains unclear.

NM_001114753.3(ENG):c.293T>A (p.Val98Asp)

Gene: ENG (endoglin; minus strand). Cytogenetic location: 9q34.11.
Variant type: single nucleotide variant.
Coding change: c.293T>A on transcript NM_001114753.3 (MANE Select); coding-DNA position 293, T replaced by A.
Protein change: p.Val98Asp; replaces valine 98 with aspartic acid.
Molecular consequence: missense variant. On other transcripts: 5 prime UTR variant (1).
Genome position (GRCh38, 1-based): chr9:127,829,754, A>T on the plus strand (T>A on the coding strand, the complement: ENG is on the minus strand). VCF-style: chr9-127829754-A-T. GRCh37 (hg19) VCF-style: chr9-130592033-A-T.
Other names: c.293T>A, p.Val98Asp (NM_000118.4, NM_001406715.1); c.-254T>A (NM_001278138.2); short protein forms V98D.
Identifiers: ClinVar variation 839185 (VCV000839185.13), dbSNP rs1830715947, ClinGen allele CA374986069.